The following is an entry in ClinVar:

ClinVar aggregate classification (germline): Likely benign. Review status: criteria provided, multiple submitters, no conflicts (2 of 4 stars). 3 submissions from 3 submitters: Likely benign (3). Last evaluated 2021-12-22.

Conditions:
Cardiovascular phenotype. Identifiers: MedGen CN230736.
Arrhythmogenic right ventricular dysplasia 12. Also called: ARRHYTHMOGENIC RIGHT VENTRICULAR DYSPLASIA, FAMILIAL, 12. Identifiers: MedGen C1969081, MONDO:0012684, OMIM 611528.
Naxos disease (NXD). Also called: WOOLLY HAIR, PALMOPLANTAR KERATODERMA, AND CARDIAC ABNORMALITIES; CARDIOMYOPATHY, ARRHYTHMOGENIC RIGHT VENTRICULAR, WITH SKIN, HAIR, AND NAIL ABNORMALITIES; PALMOPLANTAR KERATODERMA WITH ARRHYTHMOGENIC RIGHT VENTRICULAR CARDIOMYOPATHY AND WOOLLY HAIR; KERATOSIS PALMOPLANTARIS WITH ARRHYTHMOGENIC CARDIOMYOPATHY; MAL DE NAXOS. Identifiers: Orphanet 34217, MedGen C1832600, MONDO:0011017, OMIM 601214.

Allele frequency attached by ClinVar (database versions not stated): gnomAD exomes below 0.00001; gnomAD 0.00001; TOPMed 0.00001.
gnomAD v4.1: 3 of 1,614,028 alleles (0.00019%); highest among the groups gnomAD compares: Middle Eastern, 0.016%; no homozygotes.

Submissions (3):

Labcorp Genetics (formerly Invitae), Labcorp
Classification: Likely benign for Arrhythmogenic right ventricular dysplasia 12; Naxos disease. Last evaluated: 2021-12-22. Review status: criteria provided, single submitter. Criteria: Invitae Variant Classification Sherloc (09022015). Collection method: clinical testing. Allele origin: germline.

Ambry Genetics
Classification: Likely benign for Cardiovascular phenotype. Last evaluated: 2020-03-16. Review status: criteria provided, single submitter. Criteria: Ambry Variant Classification Scheme 2023. Collection method: clinical testing. Allele origin: germline.

GeneDx
Classification: Likely benign. Last evaluated: 2015-12-17. Review status: criteria provided, single submitter. Criteria: GeneDx Variant Classification (06012015). Collection method: clinical testing. Allele origin: germline. Affected: yes.
Comment: This variant is considered likely benign or benign based on one or more of the following criteria: it is a conservative change, it occurs at a poorly conserved position in the protein, it is predicted to be benign by multiple in silico algorithms, and/or has population frequency not consistent with disease.

NM_002230.4(JUP):c.990C>T (p.Thr330=)

Gene: JUP (junction plakoglobin; minus strand). Cytogenetic location: 17q21.2.
Variant type: single nucleotide variant.
Coding change: c.990C>T on transcript NM_002230.4 (MANE Select); coding-DNA position 990, C replaced by T.
Protein change: p.Thr330=; no amino-acid change (threonine 330 retained).
Molecular consequence: synonymous variant.
Genome position (GRCh38, 1-based): chr17:41,764,987, G>A on the plus strand (C>T on the coding strand, the complement: JUP is on the minus strand). VCF-style: chr17-41764987-G-A. GRCh37 (hg19) VCF-style: chr17-39921239-G-A.
Other names: c.990C>T, p.Thr330= (NM_001352773.2, NM_001352774.2, NM_001352775.2 and 3 more transcripts).
Identifiers: ClinVar variation 382356 (VCV000382356.7), dbSNP rs1057521340, ClinGen allele CA16607233.